The following is an entry in ClinVar:

ClinVar aggregate classification (germline): Pathogenic/Likely pathogenic. Review status: criteria provided, multiple submitters, no conflicts (2 of 4 stars). 2 submissions from 2 submitters: Pathogenic (1); Likely pathogenic (1). Last evaluated 2025-02-02.

Conditions:
Juvenile myelomonocytic leukemia (JMML). Also called: LEUKEMIA, JUVENILE MYELOMONOCYTIC, SOMATIC. Identifiers: Orphanet 86834, MedGen C0349639, MONDO:0011908, OMIM 607785, HP:0012209.
Neurofibromatosis, type 1 (NF1). Also called: NEUROFIBROMATOSIS, TYPE I, SOMATIC; Peripheral type neurofibromatosis; VON RECKLINGHAUSEN DISEASE; Neurofibromatosis, type I. Identifiers: Orphanet 636, MedGen C0027831, MONDO:0018975, OMIM 162200. Disease mechanism: loss of function.

Submissions (2):

Labcorp Genetics (formerly Invitae), Labcorp
Classification: Pathogenic for Neurofibromatosis, type 1. Last evaluated: 2025-02-02. Review status: criteria provided, single submitter. Criteria: Invitae Variant Classification Sherloc (09022015). Collection method: clinical testing. Allele origin: germline.
Comment: This sequence change creates a premature translational stop signal (p.Ser1745Glnfs*8) in the NF1 gene. It is expected to result in an absent or disrupted protein product. Loss-of-function variants in NF1 are known to be pathogenic (PMID: 10712197, 23913538). This variant is not present in population databases (gnomAD no frequency). This variant has not been reported in the literature in individuals affected with NF1-related conditions. ClinVar contains an entry for this variant (Variation ID: 2677223). For these reasons, this variant has been classified as Pathogenic.

Baylor Genetics
Classification: Likely pathogenic for Juvenile myelomonocytic leukemia. Last evaluated: 2023-02-21. Review status: criteria provided, single submitter. Criteria: ACMG Guidelines, 2015. Collection method: clinical testing. Allele origin: unknown.

Literature cited by the submitters: PubMed 10712197 (cited by Labcorp Genetics (formerly Invitae), Labcorp); PubMed 23913538 (cited by Labcorp Genetics (formerly Invitae), Labcorp).

NM_001042492.3(NF1):c.5296del (p.Ser1766fs)

Gene: NF1 (neurofibromin 1; plus strand). Cytogenetic location: 17q11.2.
Variant type: Deletion.
Coding change: c.5296del on transcript NM_001042492.3 (MANE Select); coding-DNA position 5296, one base deleted (T; older notation c.5296delT).
Protein change: p.Ser1766fs; shifts the reading frame from serine 1766.
Molecular consequence: frameshift variant.
Genome position (GRCh38, 1-based): chr17:31,327,526, T deleted; the last of 2 consecutive T bases (chr17:31,327,525-31,327,526); deleting either gives the same sequence. VCF-style (leftmost placement, unchanged base first): chr17-31327524-CT-C. GRCh37 (hg19) VCF-style: chr17-29654542-CT-C.
Other names: c.5233delT, p.Ser1745Glnfs (NM_000267.4); short protein forms S1745fs, S1766fs.
Identifiers: ClinVar variation 2677223 (VCV002677223.2), dbSNP rs2508705374, ClinGen allele CA2695201295.